The following is an entry in ClinVar:

NC_000011.9:g.(?_107992324)_(107992415_?)del

Gene: ACAT1 (acetyl-CoA acetyltransferase 1; plus strand). Cytogenetic location: 11q22.3.
Variant type: Deletion.
Identifiers: ClinVar variation 1076974 (VCV001076974.5).

ClinVar aggregate classification (germline): Pathogenic (1 of 4 stars; one submission).

Conditions:
Deficiency of acetyl-CoA acetyltransferase. Also called: Beta-ketothiolase deficiency; MITOCHONDRIAL ACETOACETYL-CoA THIOLASE DEFICIENCY; 3-KETOTHIOLASE DEFICIENCY; 3-OXOTHIOLASE DEFICIENCY. Identifiers: Orphanet 134, MedGen C1536500, MONDO:0008760, OMIM 203750. Disease mechanism: loss of function.

Submission:

Labcorp Genetics (formerly Invitae), Labcorp
Classification: Pathogenic for Deficiency of acetyl-CoA acetyltransferase. Last evaluated: 2022-04-28. Review status: criteria provided, single submitter. Criteria: Invitae Variant Classification Sherloc (09022015). Collection method: clinical testing. Allele origin: germline.
Comment: This variant is a gross deletion of the genomic region encompassing exon(s) 1 of the ACAT1 gene, which includes the initiator codon. This deletion extends beyond the assayed region for this gene and therefore may encompass additional genes. It is expected to result in an absent or disrupted protein product. Loss-of-function variants in ACAT1 are known to be pathogenic (PMID: 7749408). This variant has not been reported in the literature in individuals affected with ACAT1-related conditions. For these reasons, this variant has been classified as Pathogenic.

Literature cited by the submitters: PubMed 7749408.